The following is an entry in ClinVar:

NM_004656.4(BAP1):c.1706T>A (p.Val569Glu)

Gene: BAP1 (BRCA1 associated deubiquitinase 1; minus strand). Cytogenetic location: 3p21.1.
Variant type: single nucleotide variant.
Coding change: c.1706T>A on transcript NM_004656.4 (MANE Select); coding-DNA position 1706, T replaced by A.
Protein change: p.Val569Glu; replaces valine 569 with glutamic acid.
Molecular consequence: missense variant.
Genome position (GRCh38, 1-based): chr3:52,403,439, A>T on the plus strand (T>A on the coding strand, the complement: BAP1 is on the minus strand). VCF-style: chr3-52403439-A-T. GRCh37 (hg19) VCF-style: chr3-52437455-A-T.
Other names: c.1652T>A, p.Val551Glu (NM_001410772.1); short protein forms V569E, V551E.
Identifiers: ClinVar variation 3819104 (VCV003819104.1).

ClinVar aggregate classification (germline): Uncertain significance (1 of 4 stars; one submission).

Conditions:
Hereditary cancer-predisposing syndrome. Also called: Hereditary neoplastic syndrome; Neoplastic Syndromes, Hereditary; Tumor predisposition; Hereditary Cancer Syndrome. Identifiers: Orphanet 140162, MedGen C0027672, MeSH D009386, MONDO:0015356.

Submission:

Ambry Genetics
Classification: Uncertain significance for Hereditary cancer-predisposing syndrome. Last evaluated: 2025-01-23. Review status: criteria provided, single submitter. Criteria: Ambry Variant Classification Scheme 2023. Collection method: clinical testing. Allele origin: germline.
Comment: The p.V569E variant (also known as c.1706T>A), located in coding exon 13 of the BAP1 gene, results from a T to A substitution at nucleotide position 1706. The valine at codon 569 is replaced by glutamic acid, an amino acid with dissimilar properties. This amino acid position is conserved. In addition, the in silico prediction for this alteration is inconclusive. Based on the available evidence, the clinical significance of this variant remains unclear.